The following is an entry in ClinVar:

NM_001034850.3(RETREG1):c.738T>G (p.Ile246Met)

Gene: RETREG1 (reticulophagy regulator 1; minus strand). Cytogenetic location: 5p15.1.
Variant type: single nucleotide variant.
Coding change: c.738T>G on transcript NM_001034850.3 (MANE Select); coding-DNA position 738, T replaced by G.
Protein change: p.Ile246Met; replaces isoleucine 246 with methionine.
Molecular consequence: missense variant.
Genome position (GRCh38, 1-based): chr5:16,478,920, A>C on the plus strand (T>G on the coding strand, the complement: RETREG1 is on the minus strand). VCF-style: chr5-16478920-A-C. GRCh37 (hg19) VCF-style: chr5-16479029-A-C.
Other names: c.315T>G, p.Ile105Met (NM_019000.5); short protein forms I105M, I246M.
Identifiers: ClinVar variation 942375 (VCV000942375.7), dbSNP rs1738650337, ClinGen allele CA359258598.

ClinVar aggregate classification (germline): Uncertain significance (1 of 4 stars; one submission).

Allele frequency attached by ClinVar (database versions not stated): TOPMed below 0.00001.
gnomAD v4.1: 37 of 1,612,176 alleles (0.0023%); highest among the groups gnomAD compares: Non-Finnish European, 0.0031%; no homozygotes.

Submission:

Labcorp Genetics (formerly Invitae), Labcorp
Classification: Uncertain significance. Last evaluated: 2022-08-22. Review status: criteria provided, single submitter. Criteria: Invitae Variant Classification Sherloc (09022015). Collection method: clinical testing. Allele origin: germline.
Comment: This sequence change replaces isoleucine, which is neutral and non-polar, with methionine, which is neutral and non-polar, at codon 246 of the RETREG1 protein (p.Ile246Met). This variant is not present in population databases (gnomAD no frequency). This variant has not been reported in the literature in individuals affected with RETREG1-related conditions. ClinVar contains an entry for this variant (Variation ID: 942375). Algorithms developed to predict the effect of missense changes on protein structure and function are either unavailable or do not agree on the potential impact of this missense change (SIFT: "Deleterious"; PolyPhen-2: "Possibly Damaging"; Align-GVGD: "Class C0"). Algorithms developed to predict the effect of sequence changes on RNA splicing suggest that this variant may create or strengthen a splice site. In summary, the available evidence is currently insufficient to determine the role of this variant in disease. Therefore, it has been classified as a Variant of Uncertain Significance.